The following is an entry in ClinVar:

ClinVar aggregate classification (germline): Pathogenic (1 of 4 stars; one submission).

gnomAD v4.1: 1 of 1,588,450 alleles (0.000063%); highest among the groups gnomAD compares: Non-Finnish European, 0.000086%; no homozygotes.

Submission:

Labcorp Genetics (formerly Invitae), Labcorp
Classification: Pathogenic. Last evaluated: 2021-07-14. Review status: criteria provided, single submitter. Criteria: Invitae Variant Classification Sherloc (09022015). Collection method: clinical testing. Allele origin: germline.
Comment: This sequence change creates a premature translational stop signal (p.Glu424*) in the USH1C gene. It is expected to result in an absent or disrupted protein product. This variant is not present in population databases (ExAC no frequency). This variant has not been reported in the literature in individuals with USH1C-related conditions. Loss-of-function variants in USH1C are known to be pathogenic (PMID: 10973247, 17407589, 20301442, 21203349). For these reasons, this variant has been classified as Pathogenic.

Literature cited by the submitters: PubMed 10973247; PubMed 17407589; PubMed 20301442; PubMed 21203349.

NM_005709.4(USH1C):c.1270G>T (p.Glu424Ter)

Gene: USH1C (USH1 protein network component harmonin; minus strand). Cytogenetic location: 11p15.1.
Variant type: single nucleotide variant.
Coding change: c.1270G>T on transcript NM_005709.4 (MANE Plus Clinical); coding-DNA position 1270, G replaced by T.
Protein change: p.Glu424Ter; replaces glutamic acid 424 with a stop codon.
Molecular consequence: nonsense. On other transcripts: intron variant (1).
Genome position (GRCh38, 1-based): chr11:17,517,415, C>A on the plus strand (G>T on the coding strand, the complement: USH1C is on the minus strand). VCF-style: chr11-17517415-C-A. GRCh37 (hg19) VCF-style: chr11-17538962-C-A.
Other names: c.1213G>T, p.Glu405Ter (NM_001297764.2); c.1211-1125G>T (NM_153676.4); short protein forms E424*, E405*.
Identifiers: ClinVar variation 661853 (VCV000661853.6), dbSNP rs1244378437, ClinGen allele CA379782336.